The following is an entry in ClinVar:

ClinVar aggregate classification (germline): Uncertain significance (1 of 4 stars; one submission).

gnomAD v4.1: 2 of 1,609,592 alleles (0.00012%); highest among the groups gnomAD compares: East Asian, 0.0045%; no homozygotes.

Submission:

Dasa
Classification: Uncertain significance. Last evaluated: 2024-11-25. Review status: criteria provided, single submitter. Criteria: DASA Assertion Criteria. Collection method: clinical testing. Allele origin: germline.
Comment: NM_001127222.2(CACNA1A):c.1526A>G (p.Asn509Ser) is a missense variant that results in the substitution of asparagine with serine. This variant is rare in population databases. The currently available literature and clinical evidence are not sufficient to establish a definitive association between this variant and the reported condition. Therefore, this variant is classified as a variant of uncertain significance.

NM_001127222.2(CACNA1A):c.1526A>G (p.Asn509Ser)

Gene: CACNA1A (calcium voltage-gated channel subunit alpha1 A; minus strand). Cytogenetic location: 19p13.13.
Variant type: single nucleotide variant.
Coding change: c.1526A>G on transcript NM_001127222.2 (MANE Select); coding-DNA position 1526, A replaced by G.
Protein change: p.Asn509Ser; replaces asparagine 509 with serine.
Molecular consequence: missense variant.
Genome position (GRCh38, 1-based): chr19:13,317,141, T>C on the plus strand (A>G on the coding strand, the complement: CACNA1A is on the minus strand). VCF-style: chr19-13317141-T-C. GRCh37 (hg19) VCF-style: chr19-13427955-T-C.
Other names: c.1529A>G, p.Asn510Ser (NM_001127221.2, NM_001174080.2, NM_023035.3 and 1 more transcripts); short protein forms N509S, N510S.
Identifiers: ClinVar variation 4883576 (VCV004883576.2).